The following is an entry in ClinVar:

NM_024685.4(BBS10):c.893T>A (p.Met298Lys)

Gene: BBS10 (Bardet-Biedl syndrome 10; minus strand). Cytogenetic location: 12q21.2.
Variant type: single nucleotide variant.
Coding change: c.893T>A on transcript NM_024685.4 (MANE Select); coding-DNA position 893, T replaced by A.
Protein change: p.Met298Lys; replaces methionine 298 with lysine.
Molecular consequence: missense variant.
Genome position (GRCh38, 1-based): chr12:76,347,092, A>T on the plus strand (T>A on the coding strand, the complement: BBS10 is on the minus strand). VCF-style: chr12-76347092-A-T. GRCh37 (hg19) VCF-style: chr12-76740872-A-T.
Other names: short protein forms M298K.
Identifiers: ClinVar variation 3345892 (VCV003345892.1).

ClinVar aggregate classification (germline): Uncertain significance (0 of 4 stars; one submission).

Conditions:
BBS10-related disorder. Also called: BBS10-related condition.

Submission:

PreventionGenetics, part of Exact Sciences
Classification: Uncertain significance for BBS10-related condition. Last evaluated: 2024-06-20. Review status: no assertion criteria provided. Collection method: clinical testing. Allele origin: germline.
Comment: The BBS10 c.893T>A variant is predicted to result in the amino acid substitution p.Met298Lys. To our knowledge, this variant has not been reported in the literature or in a large population database, indicating this variant is rare. At this time, the clinical significance of this variant is uncertain due to the absence of conclusive functional and genetic evidence.